The following is an entry in ClinVar:

ClinVar aggregate classification (germline): Pathogenic/Likely pathogenic. Review status: criteria provided, multiple submitters, no conflicts (2 of 4 stars). 6 submissions from 6 submitters: Pathogenic (5); Likely pathogenic (1). Last evaluated 2025-11-21.

Conditions:
Hereditary cancer-predisposing syndrome. Also called: Hereditary neoplastic syndrome; Hereditary Cancer Syndrome; Neoplastic Syndromes, Hereditary; Tumor predisposition. Identifiers: Orphanet 140162, MedGen C0027672, MeSH D009386, MONDO:0015356.
Familial cancer of breast. Also called: Hereditary breast cancer; BREAST CANCER, FAMILIAL; hereditary breast carcinoma. Identifiers: Orphanet 227535, MedGen C0346153, MONDO:0016419, OMIM 114480. Disease mechanism: loss of function.
Malignant tumor of breast. Also called: Malignant breast neoplasm; Cancer breast. Identifiers: MedGen C0006142, MONDO:0007254. Disease mechanism: loss of function.

Submissions (6):

Women's Health and Genetics/Laboratory Corporation of America, LabCorp
Classification: Pathogenic for Malignant tumor of breast. Last evaluated: 2025-11-21. Review status: criteria provided, single submitter. Criteria: LabCorp Variant Classification Summary - May 2015. Collection method: clinical testing. Allele origin: germline.
Comment: Variant summary: PALB2 c.707dupT (p.Leu237ProfsX5) results in a premature termination codon, predicted to cause a truncation of the encoded protein or absence of the protein due to nonsense mediated decay, which are commonly known mechanisms for disease. The variant was absent in 251128 control chromosomes. c.707dupT has been observed in individual(s) affected with Breast Cancer and other related cancers (Yang_2020). These report(s) do not provide unequivocal conclusions about association of the variant with Breast Cancer. To our knowledge, no experimental evidence demonstrating an impact on protein function has been reported. The following publication have been ascertained in the context of this evaluation (PMID: 31841383). ClinVar contains an entry for this variant (Variation ID: 229784). Based on the evidence outlined above, the variant was classified as pathogenic.

Labcorp Genetics (formerly Invitae), Labcorp
Classification: Pathogenic for Familial cancer of breast. Last evaluated: 2024-05-26. Review status: criteria provided, single submitter. Criteria: Invitae Variant Classification Sherloc (09022015). Collection method: clinical testing. Allele origin: germline.
Comment: This sequence change creates a premature translational stop signal (p.Leu237Profs*5) in the PALB2 gene. It is expected to result in an absent or disrupted protein product. Loss-of-function variants in PALB2 are known to be pathogenic (PMID: 17200668, 17200671, 17200672, 24136930, 25099575). This variant is not present in population databases (gnomAD no frequency). This variant has not been reported in the literature in individuals affected with PALB2-related conditions. ClinVar contains an entry for this variant (Variation ID: 229784). For these reasons, this variant has been classified as Pathogenic.

Myriad Genetics, Inc.
Classification: Pathogenic for Familial cancer of breast. Last evaluated: 2023-09-07. Review status: criteria provided, single submitter. Criteria: Myriad Autosomal Dominant, Autosomal Recessive and X-Linked Classification Criteria (2023). Collection method: clinical testing. Allele origin: unknown.
Comment: This variant is considered pathogenic. This variant creates a frameshift predicted to result in premature protein truncation.

Ambry Genetics
Classification: Pathogenic for Hereditary cancer-predisposing syndrome. Last evaluated: 2023-07-07. Review status: criteria provided, single submitter. Criteria: Ambry Variant Classification Scheme 2023. Collection method: clinical testing. Allele origin: germline.
Comment: The c.707dupT pathogenic mutation, located in coding exon 4 of the PALB2 gene, results from a duplication of T at nucleotide position 707, causing a translational frameshift with a predicted alternate stop codon (p.L237Pfs*5). This alteration is expected to result in loss of function by premature protein truncation or nonsense-mediated mRNA decay. As such, this alteration is interpreted as a disease-causing mutation.

Color Diagnostics, LLC DBA Color Health
Classification: Pathogenic for Hereditary cancer-predisposing syndrome. Last evaluated: 2020-01-15. Review status: criteria provided, single submitter. Criteria: ACMG Guidelines, 2015. Collection method: clinical testing. Allele origin: germline.
Comment: This variant inserts 1 nucleotide in exon 4 of the PALB2 gene, creating a frameshift and premature translation stop signal. This variant is expected to result in an absent or non-functional protein product. This variant has not been identified in the general population by the Genome Aggregation Database (gnomAD). Loss of PALB2 function is a known mechanism of disease. Based on the available evidence, this variant is classified as Pathogenic.

GeneDx
Classification: Likely pathogenic. Last evaluated: 2016-05-04. Review status: criteria provided, single submitter. Criteria: GeneDx Variant Classification (06012015). Collection method: clinical testing. Allele origin: germline. Affected: yes.
Comment: This duplication of one nucleotide in PALB2 is denoted c.707dupT at the cDNA level and p.Leu237ProfsX5 (L237PfsX5) at the protein level. The normal sequence, with the base that is duplicated in braces, is ACAT[T]CCTA. The duplication causes a frameshift which changes a Leucine to a Proline at codon 237, and creates a premature stop codon at position 5 of the new reading frame. Although this variant has not, to our knowledge, been reported in the literature, it is predicted to cause loss of normal protein function through either protein truncation or nonsense-mediated mRNA decay. Based on the currently available information, we consider this duplication to be a likely pathogenic variant.

Literature cited by the submitters: PubMed 31841383 (cited by Women's Health and Genetics/Laboratory Corporation of America, LabCorp); PubMed 17200668 (cited by Labcorp Genetics (formerly Invitae), Labcorp); PubMed 17200671 (cited by Labcorp Genetics (formerly Invitae), Labcorp); PubMed 17200672 (cited by Labcorp Genetics (formerly Invitae), Labcorp); PubMed 24136930 (cited by Labcorp Genetics (formerly Invitae), Labcorp); PubMed 25099575 (cited by Labcorp Genetics (formerly Invitae), Labcorp).

NM_024675.4(PALB2):c.707dup (p.Leu237fs)

Gene: PALB2 (partner and localizer of BRCA2; minus strand). Cytogenetic location: 16p12.2.
Variant type: Duplication.
Coding change: c.707dup on transcript NM_024675.4 (MANE Select); coding-DNA position 707, one base duplicated (T; older notation c.707dupT).
Protein change: p.Leu237fs; shifts the reading frame from leucine 237.
Molecular consequence: frameshift variant.
Genome position (GRCh38, 1-based): chr16:23,635,839, A duplicated on the plus strand (T on the coding strand, the reverse complement: PALB2 is on the minus strand); the first of 2 consecutive A bases (chr16:23,635,839-23,635,840); duplicating either gives the same sequence. VCF-style (leftmost placement, unchanged base first): chr16-23635838-G-GA. GRCh37 (hg19) VCF-style: chr16-23647159-G-GA.
Other names: c.707dupT (NM_024675.3, NM_024675.4); short protein forms L237fs.
Identifiers: ClinVar variation 229784 (VCV000229784.19), dbSNP rs876658192, ClinGen allele CA10580032.
Genomic context (GRCh38, chr16:23,635,838, plus strand): 5'-GCTATCTGATAGAGTCTGTAAAGGAACTGTAGTCGCCCTGGTGAAATTAGGTCTTCTTAG[G>GA]AATGTATCAACACCTTTTTCTGGTTGGGCAGTTGGTGGAATTAATACACTGTCTTCATTA-3'